The following is an entry in ClinVar:

NM_000284.3:c.899_918del

Gene: PDHA1 (pyruvate dehydrogenase E1 subunit alpha 1; plus strand).
Variant type: Deletion.
Identifiers: ClinVar variation 4070387 (VCV004070387.1).

ClinVar aggregate classification (germline): Pathogenic (0 of 4 stars; one submission).

Conditions:
Pyruvate dehydrogenase E1-alpha deficiency (PDHAD). Also called: ATAXIA, INTERMITTENT, WITH PYRUVATE DEHYDROGENASE DEFICIENCY; ATAXIA WITH LACTIC ACIDOSIS I; ATAXIA, INTERMITTENT, WITH ABNORMAL PYRUVATE METABOLISM; Ataxia, intermittent, with pyruvate dehydrogenase, or decarboxylase, deficiency. Identifiers: Orphanet 79243, MedGen C1839413, MONDO:0010717, OMIM 312170.

Submission:

PDHA1 Study Group, University Children’s Hospital, Paracelsus Medical University
Classification: Pathogenic for Pyruvate dehydrogenase E1-alpha deficiency. Last evaluated: 2024-10-15. Review status: no assertion criteria provided. Collection method: research. Allele origin: germline. Affected: yes. Observed: 1 variant allele.
Comment: The NM_000284.3:c.899_918del (p.Ser300AsnfsTer7) change is a frameshift variant in PDHA1 gene. This variant is predicted to result in nonsense-mediated decay (NMD). The variant has been reported in 1 published case (PMIDs: 7692352). Last literature search: July 12, 2024. This variant is absent or extremely rare in population-based cohorts in the Genome Aggregation Database (gnomAD). Individuals harboring this variant presented with clinical features compatible with PDHA1-related PDHc deficiency. In summary, this variant meets criteria to be classified as pathogenic (P) for PDHA1-related PDHc deficiency based on the ACMG/AMP criteria applied: PVS1, PS3, PM2, PM7 (last assessment October 15, 2024).

Literature cited by the submitters: PubMed 7692352; DOI 10.1093/brain/awaf430.